The following is an entry in ClinVar:

ClinVar aggregate classification (germline): Uncertain significance. Review status: criteria provided, multiple submitters, no conflicts (2 of 4 stars). 2 submissions from 2 submitters: Uncertain significance (2). Last evaluated 2024-11-26.

Conditions:
Neurofibromatosis, type 1 (NF1). Also called: NEUROFIBROMATOSIS, TYPE I, SOMATIC; Neurofibromatosis, type I; Peripheral type neurofibromatosis; VON RECKLINGHAUSEN DISEASE. Identifiers: Orphanet 636, MedGen C0027831, MONDO:0018975, OMIM 162200. Disease mechanism: loss of function.
Hereditary cancer-predisposing syndrome. Also called: Hereditary Cancer Syndrome; Hereditary neoplastic syndrome; Neoplastic Syndromes, Hereditary; Tumor predisposition. Identifiers: Orphanet 140162, MedGen C0027672, MeSH D009386, MONDO:0015356.
Cardiovascular phenotype. Identifiers: MedGen CN230736.

Submissions (2):

Ambry Genetics
Classification: Uncertain significance for Cardiovascular phenotype; Hereditary cancer-predisposing syndrome. Last evaluated: 2024-11-26. Review status: criteria provided, single submitter. Criteria: Ambry Variant Classification Scheme 2023. Collection method: clinical testing. Allele origin: germline.
Comment: The c.5205+3A>G intronic variant results from an A to G substitution 3 nucleotides after coding exon 36 in the NF1 gene. This nucleotide position is well conserved in available vertebrate species. In silico splice site analysis predicts that this alteration will not have any significant effect on splicing. Based on the available evidence, the clinical significance of this variant remains unclear.

Labcorp Genetics (formerly Invitae), Labcorp
Classification: Uncertain significance for Neurofibromatosis, type 1. Last evaluated: 2024-08-31. Review status: criteria provided, single submitter. Criteria: Invitae Variant Classification Sherloc (09022015). Collection method: clinical testing. Allele origin: germline.
Comment: This sequence change falls in intron 36 of the NF1 gene. It does not directly change the encoded amino acid sequence of the NF1 protein. It affects a nucleotide within the consensus splice site. This variant is not present in population databases (gnomAD no frequency). This variant has not been reported in the literature in individuals affected with NF1-related conditions. Variants that disrupt the consensus splice site are a relatively common cause of aberrant splicing (PMID: 17576681, 9536098). Algorithms developed to predict the effect of sequence changes on RNA splicing suggest that this variant may create or strengthen a splice site. In summary, the available evidence is currently insufficient to determine the role of this variant in disease. Therefore, it has been classified as a Variant of Uncertain Significance.

Literature cited by the submitters: PubMed 17576681 (cited by Labcorp Genetics (formerly Invitae), Labcorp); PubMed 9536098 (cited by Labcorp Genetics (formerly Invitae), Labcorp).

NM_001042492.3(NF1):c.5268+3A>G

Gene: NF1 (neurofibromin 1; plus strand). Cytogenetic location: 17q11.2.
Variant type: single nucleotide variant.
Coding change: c.5268+3A>G on transcript NM_001042492.3 (MANE Select); 3 bases into the intron after coding-DNA position 5268, A replaced by G.
Molecular consequence: intron variant.
Genome position (GRCh38, 1-based): chr17:31,326,255, A>G. VCF-style: chr17-31326255-A-G. GRCh37 (hg19) VCF-style: chr17-29653273-A-G.
Other names: c.5205+3A>G (NM_000267.4).
Identifiers: ClinVar variation 3404623 (VCV003404623.3).
Genomic context (GRCh38, chr17:31,326,255, plus strand): 5'-GAAGGTATTCCACAATGCTCTCAAGCTAGCTCACAAAGACACCAAAGTTTCTATTAAAGT[A>G]AGTTCCAGTCTGTGTTTTGTAAACGATTCATTGCTTTTCTTGACTAACTAGACTATATCC-3'